The following is an entry in ClinVar:

ClinVar aggregate classification (germline): Likely pathogenic (1 of 4 stars; one submission).

Conditions:
Neuropathy, hereditary sensory and autonomic, type 2A (HSAN2A). Also called: WNK1-Related HSAN2 (HSAN2A); HSAN IIA; ACROOSTEOLYSIS, GIACCAI TYPE; ACROOSTEOLYSIS, NEUROGENIC; MORVAN DISEASE; NEUROPATHY, CONGENITAL SENSORY. Identifiers: Orphanet 970, MedGen C2752089, MONDO:0024309, OMIM 201300.
Generalized epilepsy with febrile seizures plus, type 7 (GEFSP7). Also called: GEFS+, TYPE 7. Identifiers: Orphanet 36387, MedGen C2751778, MONDO:0013470, OMIM 613863.

Submission:

Labcorp Genetics (formerly Invitae), Labcorp
Classification: Likely pathogenic for Neuropathy, hereditary sensory and autonomic, type 2A; Generalized epilepsy with febrile seizures plus, type 7. Last evaluated: 2022-06-20. Review status: criteria provided, single submitter. Criteria: Invitae Variant Classification Sherloc (09022015). Collection method: clinical testing. Allele origin: germline.
Comment: In summary, the currently available evidence indicates that the variant is pathogenic, but additional data are needed to prove that conclusively. Therefore, this variant has been classified as Likely Pathogenic. Algorithms developed to predict the effect of missense changes on protein structure and function are either unavailable or do not agree on the potential impact of this missense change (SIFT: "Tolerated"; PolyPhen-2: "Possibly Damaging"; Align-GVGD: "Class C0"). This missense change has been observed in individual(s) with clinical features of autosomal dominant SCN9A-related conditions (Invitae). In at least one individual the variant was observed to be de novo. This variant is not present in population databases (gnomAD no frequency). This sequence change replaces alanine, which is neutral and non-polar, with proline, which is neutral and non-polar, at codon 1132 of the SCN9A protein (p.Ala1132Pro).

NM_001365536.1(SCN9A):c.3427G>C (p.Ala1143Pro)

Genes: SCN1A-AS1 (SCN1A and SCN9A antisense RNA 1; plus strand), SCN9A (sodium voltage-gated channel alpha subunit 9; minus strand). Cytogenetic location: 2q24.3.
Variant type: single nucleotide variant.
Coding change: c.3427G>C on transcript NM_001365536.1 (MANE Select); coding-DNA position 3427, G replaced by C.
Protein change: p.Ala1143Pro; replaces alanine 1143 with proline.
Molecular consequence: missense variant. On other transcripts: non-coding transcript variant (1).
Genome position (GRCh38, 1-based): chr2:166,251,810, C>G on the plus strand (G>C on the coding strand, the complement: SCN9A is on the minus strand). VCF-style: chr2-166251810-C-G. GRCh37 (hg19) VCF-style: chr2-167108320-C-G.
Other names: c.3394G>C, p.Ala1132Pro (NM_002977.4); short protein forms A1143P, A1132P.
Identifiers: ClinVar variation 2156071 (VCV002156071.4), dbSNP rs999645687, ClinGen allele CA349071920.